The following is an entry in ClinVar:

ClinVar aggregate classification (germline): Uncertain significance (1 of 4 stars; one submission).

Conditions:
Hypertrophic cardiomyopathy 11. Also called: ACTC1-Related Familial Hypertrophic Cardiomyopathy. Identifiers: MedGen C2677506, MONDO:0012799, OMIM 612098.
Dilated cardiomyopathy 1R (CMD1R). Identifiers: Orphanet 154, Orphanet 54260, MedGen C3150681, MONDO:0013261, OMIM 613424.
Atrial septal defect 5 (ASD5). Identifiers: Orphanet 1478, MedGen C2748552, MONDO:0013011, OMIM 612794.

Submission:

Labcorp Genetics (formerly Invitae), Labcorp
Classification: Uncertain significance for Dilated cardiomyopathy 1R; Hypertrophic cardiomyopathy 11; Atrial septal defect 5. Last evaluated: 2022-09-12. Review status: criteria provided, single submitter. Criteria: Invitae Variant Classification Sherloc (09022015). Collection method: clinical testing. Allele origin: germline.
Comment: This variant is not present in population databases (gnomAD no frequency). This sequence change replaces tyrosine, which is neutral and polar, with histidine, which is basic and polar, at codon 308 of the ACTC1 protein (p.Tyr308His). In summary, the available evidence is currently insufficient to determine the role of this variant in disease. Therefore, it has been classified as a Variant of Uncertain Significance. Advanced modeling of protein sequence and biophysical properties (such as structural, functional, and spatial information, amino acid conservation, physicochemical variation, residue mobility, and thermodynamic stability) performed at Invitae indicates that this missense variant is not expected to disrupt ACTC1 protein function. ClinVar contains an entry for this variant (Variation ID: 948806). This variant has not been reported in the literature in individuals affected with ACTC1-related conditions.

NM_005159.5(ACTC1):c.922T>C (p.Tyr308His)

Genes: ACTC1 (actin alpha cardiac muscle 1; minus strand), GJD2-DT (GJD2 divergent transcript; plus strand). Cytogenetic location: 15q14.
Variant type: single nucleotide variant.
Coding change: c.922T>C on transcript NM_005159.5 (MANE Select); coding-DNA position 922, T replaced by C.
Protein change: p.Tyr308His; replaces tyrosine 308 with histidine.
Molecular consequence: missense variant.
Genome position (GRCh38, 1-based): chr15:34,791,182, A>G on the plus strand (T>C on the coding strand, the complement: ACTC1 is on the minus strand). VCF-style: chr15-34791182-A-G. GRCh37 (hg19) VCF-style: chr15-35083383-A-G.
Other names: short protein forms Y308H.
Identifiers: ClinVar variation 948806 (VCV000948806.9), dbSNP rs1566967093, ClinGen allele CA391629420.